The following is an entry in ClinVar:

NM_020937.4(FANCM):c.5545C>A (p.Pro1849Thr)

Gene: FANCM (FA complementation group M; plus strand). Cytogenetic location: 14q21.2.
Variant type: single nucleotide variant.
Coding change: c.5545C>A on transcript NM_020937.4 (MANE Select); coding-DNA position 5545, C replaced by A.
Protein change: p.Pro1849Thr; replaces proline 1849 with threonine.
Molecular consequence: missense variant.
Genome position (GRCh38, 1-based): chr14:45,196,376, C>A. VCF-style: chr14-45196376-C-A. GRCh37 (hg19) VCF-style: chr14-45665579-C-A.
Other names: c.5467C>A, p.Pro1823Thr (NM_001308133.2); c.5545C>A (NM_020937.3); short protein forms P1823T, P1849T.
Identifiers: ClinVar variation 959731 (VCV000959731.15), dbSNP rs1359477676, ClinGen allele CA389586089.

ClinVar aggregate classification (germline): Uncertain significance. Review status: criteria provided, multiple submitters, no conflicts (2 of 4 stars). 4 submissions from 4 submitters: Uncertain significance (4). Last evaluated 2025-04-02.

Conditions:
FANCM-related disorder. Also called: FANCM-related condition.
Fanconi anemia (FA). Also called: Fanconi's anemia. Identifiers: Orphanet 84, MedGen C0015625, MeSH D005199, MONDO:0019391.

Allele frequency attached by ClinVar (database versions not stated): gnomAD exomes below 0.00001 and 0.00001; TOPMed 0.00003; gnomAD 0.00004.
gnomAD v4.1: 19 of 1,613,930 alleles (0.0012%); highest among the groups gnomAD compares: African/African-American, 0.0027%; no homozygotes.

Submissions (4):

GeneDx
Classification: Uncertain significance. Last evaluated: 2025-04-02. Review status: criteria provided, single submitter. Criteria: GeneDx Variant Classification Process June 2021. Collection method: clinical testing. Allele origin: germline. Affected: yes.
Comment: Not observed at significant frequency in large population cohorts (gnomAD); In silico analysis supports that this missense variant has a deleterious effect on protein structure/function; Has not been previously published as pathogenic or benign to our knowledge

Labcorp Genetics (formerly Invitae), Labcorp
Classification: Uncertain significance for Fanconi anemia. Last evaluated: 2024-10-28. Review status: criteria provided, single submitter. Criteria: Invitae Variant Classification Sherloc (09022015). Collection method: clinical testing. Allele origin: germline.
Comment: This sequence change replaces proline, which is neutral and non-polar, with threonine, which is neutral and polar, at codon 1849 of the FANCM protein (p.Pro1849Thr). This variant is present in population databases (no rsID available, gnomAD 0.002%). This variant has not been reported in the literature in individuals affected with FANCM-related conditions. ClinVar contains an entry for this variant (Variation ID: 959731). An algorithm developed to predict the effect of missense changes on protein structure and function (PolyPhen-2) suggests that this variant is likely to be disruptive. In summary, the available evidence is currently insufficient to determine the role of this variant in disease. Therefore, it has been classified as a Variant of Uncertain Significance.

PreventionGenetics, part of Exact Sciences
Classification: Uncertain significance for FANCM-related condition. Last evaluated: 2023-08-07. Review status: criteria provided, single submitter. Criteria: ACMG Guidelines, 2015. Collection method: clinical testing. Allele origin: germline.
Comment: The FANCM c.5545C>A variant is predicted to result in the amino acid substitution p.Pro1849Thr. To our knowledge, this variant has not been reported in the literature. This variant is reported in 0.0023% of alleles in individuals of European (Non-Finnish) descent in gnomAD and interpreted as a variant of uncertain significance in ClinVar. At this time, the clinical significance of this variant is uncertain due to the absence of conclusive functional and genetic evidence.

Quest Diagnostics Nichols Institute San Juan Capistrano
Classification: Uncertain significance. Last evaluated: 2022-12-24. Review status: criteria provided, single submitter. Criteria: Quest Diagnostics criteria. Collection method: clinical testing. Allele origin: unknown.
Comment: The variant has not been reported in the published literature. The frequency of this variant in the general population, 0.000023 (3/129160 chromosomes), is uninformative in assessment of its pathogenicity. Analysis of this variant using bioinformatics tools for the prediction of the effect of amino acid changes on protein structure and function yielded conflicting predictions that this variant is benign or damaging. Based on the available information, we are unable to determine the clinical significance of this variant.